The following is an entry in ClinVar:

NM_001384474.1(LOXHD1):c.2557C>T (p.Arg853Cys)

Gene: LOXHD1 (lipoxygenase homology PLAT domains 1; minus strand). Cytogenetic location: 18q21.1.
Variant type: single nucleotide variant.
Coding change: c.2557C>T on transcript NM_001384474.1 (MANE Select); coding-DNA position 2557, C replaced by T.
Protein change: p.Arg853Cys; replaces arginine 853 with cysteine.
Molecular consequence: missense variant.
Genome position (GRCh38, 1-based): chr18:46,563,106, G>A on the plus strand (C>T on the coding strand, the complement: LOXHD1 is on the minus strand). VCF-style: chr18-46563106-G-A. GRCh37 (hg19) VCF-style: chr18-44143069-G-A.
Other names: c.2557C>T, p.Arg853Cys (NM_144612.7); short protein forms R853C.
Identifiers: ClinVar variation 995176 (VCV000995176.5), dbSNP rs202178613, ClinGen allele CA8952663.
Genomic context (GRCh38, chr18:46,563,106, plus strand): 5'-GCTCCTCGACCCCACATACCTGGAATGTGTCCTTGGACGCCCGTTCAAAAACTTTTGAGC[G>A]GCTGGAGAGGAAGAGCACTTCTGTCTTGCCTTTCTCTCCATAGATCTGCATGTAGACTCG-3'
Protein context (NP_001371403.1, residues 843-863): GKTEVLFLSS[Arg853Cys]SKVFERASKD

ClinVar aggregate classification (germline): Uncertain significance. Review status: criteria provided, multiple submitters, no conflicts (2 of 4 stars). 4 submissions from 4 submitters: Uncertain significance (3). 1 of the submissions does not count toward it. Last evaluated 2025-08-07.

Conditions:
Autosomal recessive nonsyndromic hearing loss 77. Identifiers: Orphanet 90636, MedGen C2746083, MONDO:0013119, OMIM 613079.
Inborn genetic diseases. Identifiers: MedGen C0950123, MeSH D030342.

Allele frequency attached by ClinVar (database versions not stated): TOPMed 0.00004; ExAC 0.00005.

Submissions (4):

Ambry Genetics
Classification: Uncertain significance for Inborn genetic diseases. Last evaluated: 2025-08-07. Review status: criteria provided, single submitter. Criteria: Ambry Variant Classification Scheme 2023. Collection method: clinical testing. Allele origin: germline.

Labcorp Genetics (formerly Invitae), Labcorp
Classification: Uncertain significance. Last evaluated: 2022-02-20. Review status: criteria provided, single submitter. Criteria: Invitae Variant Classification Sherloc (09022015). Collection method: clinical testing. Allele origin: germline.
Comment: This sequence change replaces arginine, which is basic and polar, with cysteine, which is neutral and slightly polar, at codon 853 of the LOXHD1 protein (p.Arg853Cys). This variant is present in population databases (rs202178613, gnomAD 0.009%). This variant has not been reported in the literature in individuals affected with LOXHD1-related conditions. ClinVar contains an entry for this variant (Variation ID: 995176). Algorithms developed to predict the effect of missense changes on protein structure and function are either unavailable or do not agree on the potential impact of this missense change (SIFT: "Deleterious"; PolyPhen-2: "Possibly Damaging"; Align-GVGD: "Class C0"). In summary, the available evidence is currently insufficient to determine the role of this variant in disease. Therefore, it has been classified as a Variant of Uncertain Significance.

Athena Diagnostics
Classification: Uncertain significance. Last evaluated: 2020-08-04. Review status: criteria provided, single submitter. Criteria: Athena Diagnostics Criteria. Collection method: clinical testing. Allele origin: unknown.

Natera, Inc.
Classification: Uncertain significance for Autosomal recessive deafness type 77. Last evaluated: 2020-07-18. Review status: no assertion criteria provided. Collection method: clinical testing. Allele origin: germline. Not counted in ClinVar's aggregate classification.